The following is an entry in ClinVar:

NM_005529.7(HSPG2):c.6419C>T (p.Ser2140Phe)

Gene: HSPG2 (heparan sulfate proteoglycan 2; minus strand). Cytogenetic location: 1p36.12.
Variant type: single nucleotide variant.
Coding change: c.6419C>T on transcript NM_005529.7 (MANE Select); coding-DNA position 6419, C replaced by T.
Protein change: p.Ser2140Phe; replaces serine 2140 with phenylalanine.
Molecular consequence: missense variant.
Genome position (GRCh38, 1-based): chr1:21,854,213, G>A on the plus strand (C>T on the coding strand, the complement: HSPG2 is on the minus strand). VCF-style: chr1-21854213-G-A. GRCh37 (hg19) VCF-style: chr1-22180706-G-A.
Other names: c.6422C>T, p.Ser2141Phe (NM_001291860.2); short protein forms S2141F, S2140F.
Identifiers: ClinVar variation 1469818 (VCV001469818.8), dbSNP rs1639150241, ClinGen allele CA338932215.
Genomic context (GRCh38, chr1:21,854,213, plus strand): 5'-CTAGGGCTCAGCCCCGGCCCAGCCACACCTGGCTCCTCACCTGGGGTGTAGCTGGGGCCA[G>A]AATGGGTGCCGTGGAGCACAGACACAGTAATGGAGGCCTCCTTGGGGCCCGATCCATTCT-3'
Protein context (NP_005520.4, residues 2130-2150): ITVSVLHGTH[Ser2140Phe]GPSYTPVPGS

ClinVar aggregate classification (germline): Uncertain significance (1 of 4 stars; one submission).

Allele frequency attached by ClinVar (database versions not stated): TOPMed below 0.00001; gnomAD exomes 0.00001.

Submission:

Labcorp Genetics (formerly Invitae), Labcorp
Classification: Uncertain significance. Last evaluated: 2021-05-16. Review status: criteria provided, single submitter. Criteria: Invitae Variant Classification Sherloc (09022015). Collection method: clinical testing. Allele origin: germline.
Comment: In summary, the available evidence is currently insufficient to determine the role of this variant in disease. Therefore, it has been classified as a Variant of Uncertain Significance. Algorithms developed to predict the effect of missense changes on protein structure and function are either unavailable or do not agree on the potential impact of this missense change (SIFT: "Deleterious"; PolyPhen-2: "Benign"; Align-GVGD: "Class C0"). This variant has not been reported in the literature in individuals with HSPG2-related conditions. This variant is not present in population databases (ExAC no frequency). This sequence change replaces serine with phenylalanine at codon 2140 of the HSPG2 protein (p.Ser2140Phe). The serine residue is weakly conserved and there is a large physicochemical difference between serine and phenylalanine.